The following is an entry in ClinVar:

ClinVar aggregate classification (germline): Likely pathogenic (1 of 4 stars; one submission).

Conditions:
Intellectual developmental disorder with autistic features and language delay, with or without seizures. Identifiers: MedGen C5394447, MONDO:0030051, OMIM 618906.

Submission:

Variantyx, Inc.
Classification: Likely pathogenic for Intellectual developmental disorder with autistic features and language delay, with or without seizures. Last evaluated: 2025-08-01. Review status: criteria provided, single submitter. Criteria: Variantyx Assertion Criteria 2022. Collection method: clinical testing. Allele origin: germline. Inheritance: Autosomal dominant inheritance. Affected: yes.
Comment: This is a frameshift variant in the TANC2 gene (OMIM: 615047). Pathogenic variants in this gene have been associated with autosomal dominant intellectual developmental disorder with autistic features and language delay, with or without seizures. This variant introduces a premature termination codon in exon 25 out of 25, removing the predicted PDZ interacting motif (PMID: 20509869) and it is expected to result in loss of function, which is a known disease mechanism for TANC2 in this disorder (PMID: 31616000, 33875846) (PVS1). This variant is absent from control populations (PM2), and it has not been reported in individuals with TANC2-related disorders in the databases available for review. Based on the current evidence, this variant is classified as likely pathogenic for autosomal dominant intellectual developmental disorder with autistic features and language delay, with or without seizures.

Literature cited by the submitters: PubMed 31616000; PubMed 33875846.

XM_011524597.2:c.5114_5118del

Gene: TANC2 (tetratricopeptide repeat, ankyrin repeat and coiled-coil containing 2; plus strand).
Variant type: Deletion.
Other names: c.5114_5118del (XM_011524597.2).
Identifiers: ClinVar variation 4850719 (VCV004850719.1).